The following is an entry in ClinVar:

ClinVar aggregate classification (germline): Uncertain significance. Review status: criteria provided, multiple submitters, no conflicts (2 of 4 stars). 2 submissions from 2 submitters: Uncertain significance (2). Last evaluated 2024-01-23.

Allele frequency attached by ClinVar (database versions not stated): gnomAD exomes below 0.00001.

Submissions (2):

Blueprint Genetics
Classification: Uncertain significance. Last evaluated: 2024-01-23. Review status: criteria provided, single submitter. Criteria: ACMG Guidelines, 2015. Collection method: clinical testing. Allele origin: germline.

Labcorp Genetics (formerly Invitae), Labcorp
Classification: Uncertain significance. Last evaluated: 2022-12-15. Review status: criteria provided, single submitter. Criteria: Invitae Variant Classification Sherloc (09022015). Collection method: clinical testing. Allele origin: germline.
Comment: In summary, the available evidence is currently insufficient to determine the role of this variant in disease. Therefore, it has been classified as a Variant of Uncertain Significance. This variant has not been reported in the literature in individuals affected with CTDP1-related conditions. This variant is not present in population databases (gnomAD no frequency). This sequence change creates a premature translational stop signal (p.Gln202*) in the CTDP1 gene. It is expected to result in an absent or disrupted protein product. However, the current clinical and genetic evidence is not sufficient to establish whether loss-of-function variants in CTDP1 cause disease.

NM_004715.5(CTDP1):c.604C>T (p.Gln202Ter)

Gene: CTDP1 (CTD phosphatase 1; plus strand). Cytogenetic location: 18q23.
Variant type: single nucleotide variant.
Coding change: c.604C>T on transcript NM_004715.5 (MANE Select); coding-DNA position 604, C replaced by T.
Protein change: p.Gln202Ter; replaces glutamine 202 with a stop codon.
Molecular consequence: nonsense.
Genome position (GRCh38, 1-based): chr18:79,697,971, C>T. VCF-style: chr18-79697971-C-T. GRCh37 (hg19) VCF-style: chr18-77457971-C-T.
Other names: c.247C>T, p.Gln83Ter (NM_001202504.1); c.604C>T, p.Gln202Ter (NM_001318511.2, NM_048368.4); short protein forms Q202*, Q83*.
Identifiers: ClinVar variation 2787544 (VCV002787544.2), dbSNP rs2512034361, ClinGen allele CA402829520.